The following is an entry in ClinVar:

NM_004937.3(CTNS):c.559_561+24del

Genes: CTNS (cystinosin, lysosomal cystine transporter; plus strand), CTNS-AS1 (CTNS antisense RNA 1; minus strand). Cytogenetic location: 17p13.2.
Variant type: Deletion.
Coding change: c.559_561+24del on transcript NM_004937.3 (MANE Select); coding-DNA position 559 through 24 bases into the intron after coding-DNA position 561, 27 bases deleted (AAGGTACGGCCTTGCCTGCCCTACATC).
Molecular consequence: splice donor variant.
Genome position (GRCh38, 1-based): chr17:3,656,584-3,656,610, AAGGTACGGCCTTGCCTGCCCTACATC deleted; deleting any 27 consecutive bases within chr17:3,656,573-3,656,610 gives the same sequence; the c. name uses the placement nearest the transcript's 3' end. VCF-style (leftmost placement, unchanged base first): chr17-3656572-GTGCCCTACATCAAGGTACGGCCTTGCC-G. GRCh37 (hg19) VCF-style: chr17-3559866-GTGCCCTACATCAAGGTACGGCCTTGCC-G.
Other names: c.559_561+24delAAGGTACGGCCTTGCCTGCCCTACATC (NM_004937.2); c.559_561+24del (NM_001031681.3, NM_001374492.1); c.118_120+24del (NM_001374493.1, NM_001374495.1, NM_001374494.1 and 1 more transcripts); c.559_561+24del27 (NM_001031681.2).
Identifiers: ClinVar variation 21442 (VCV000021442.25), dbSNP rs113994211, ClinGen allele CA342080.

ClinVar aggregate classification (germline): Pathogenic/Likely pathogenic. Review status: criteria provided, multiple submitters, no conflicts (2 of 4 stars). 10 submissions from 10 submitters: Pathogenic (5); Likely pathogenic (1). 4 of the submissions do not count toward it. Last evaluated 2026-05-31.

Conditions:
Renal tubulopathies.
Cystinosis. Also called: Cystine diathesis; Cystine storage disease; Cystinoses. Identifiers: Orphanet 213, MedGen C4316899, MONDO:0016239.
Infantile nephropathic cystinosis. Identifiers: Orphanet 411629, MedGen C3537440, MONDO:0018467.
Ocular cystinosis. Also called: Non-Nephropathic Cystinosis; Non-Nephropathic (Ocular) Cystinosis. Identifiers: Orphanet 213, Orphanet 411641, MedGen C2931013, MONDO:0009064, OMIM 219750.
Inborn genetic diseases. Identifiers: MedGen C0950123, MeSH D030342.
Juvenile nephropathic cystinosis. Also called: Intermediate Cystinosis; CYSTINOSIS, LATE-ONSET JUVENILE OR ADOLESCENT NEPHROPATHIC TYPE; Later-Onset (Juvenile) Cystinosis. Identifiers: Orphanet 213, Orphanet 411634, MedGen C0268626, MONDO:0009066, OMIM 219900.
Nephropathic cystinosis (CTNS). Also called: Abderhalden Lignac Kaufmann disease; Abderhalden-Kaufmann-Lignac syndrome; CYSTINOSIN, DEFECT OF; LYSOSOMAL CYSTINE TRANSPORT PROTEIN, DEFECT OF. Identifiers: Orphanet 213, Orphanet 411629, MedGen C2931187, MONDO:0100151, OMIM 219800.
CTNS-related disorder. Also called: CTNS-related condition.

Submissions (10):

Genetics Laboratory, Great Ormond Street Hospital NHS Foundation Trust, North Thames Genomic Laboratory Hub
Classification: Pathogenic for Renal tubulopathies. Last evaluated: 2026-05-31. Review status: criteria provided, single submitter. Criteria: ACGS Best Practice Guidelines for Variant Classification in Rare Disease 2024 v1.2. Collection method: clinical testing. Allele origin: germline. Affected: yes.
Comment: PM2_moderate, PVS1_very-strong, PM3_very-strong

Labcorp Genetics (formerly Invitae), Labcorp
Classification: Pathogenic for Inborn genetic diseases; Ocular cystinosis; Juvenile nephropathic cystinosis. Last evaluated: 2025-03-18. Review status: criteria provided, single submitter. Criteria: Invitae Variant Classification Sherloc (09022015). Collection method: clinical testing. Allele origin: germline.
Comment: This variant results in the deletion of part of exon 8 of the CTNS gene. RNA analysis indicates that a similar copy number variant induces altered splicing and may result in an absent or altered protein product. This variant is present in population databases (rs771633120, gnomAD 0.008%). A similar copy number variant has been observed in individual(s) with infantile cystinosis (PMID: 11562417). In at least one individual the data is consistent with being in trans (on the opposite chromosome) from a pathogenic variant. This variant is also known as 898–900+24del27 . ClinVar contains an entry for this variant (Variation ID: 21442). Studies have shown that a similar copy number variant results in multiple aberrant spliced transcripts, and produces a non-functional protein and/or introduces a premature termination codon (PMID: 11562417). For these reasons, this variant has been classified as Pathogenic.

GeneDx
Classification: Pathogenic. Last evaluated: 2024-11-18. Review status: criteria provided, single submitter. Criteria: GeneDx Variant Classification Process June 2021. Collection method: clinical testing. Allele origin: germline. Affected: yes.
Comment: Canonical splice site variant found to result in a null allele in a gene for which loss of function is a known mechanism of disease (PMID: 11562417); Not observed at significant frequency in large population cohorts (gnomAD); Also known as c.898-900+24del27; This variant is associated with the following publications: (PMID: 30957593, 35738466, 12442267, 11562417, 10556299, 34572146)

Baylor Genetics
Classification: Pathogenic for Nephropathic cystinosis. Last evaluated: 2024-02-05. Review status: criteria provided, single submitter. Criteria: ACMG Guidelines, 2015. Collection method: clinical testing. Allele origin: unknown.

Laboratory of Cyto-molecular Genetics, Department of Anatomy, All India Institute of Medical Sciences (AIIMS), New Delhi
Classification: Likely pathogenic for Infantile nephropathic cystinosis. Last evaluated: 2022-03-07. Review status: criteria provided, single submitter. Criteria: ACMG Guidelines, 2015. Collection method: clinical testing. Allele origin: germline. Affected: yes. Observed: 3 variant alleles.
Comment: p.(Lys187del), splice site variant at Ex8-int 8 junction

Fulgent Genetics
Classification: Pathogenic for Ocular cystinosis; Nephropathic cystinosis; Juvenile nephropathic cystinosis. Last evaluated: 2022-03-02. Review status: criteria provided, single submitter. Criteria: ACMG Guidelines, 2015. Collection method: clinical testing. Allele origin: unknown.

PreventionGenetics, part of Exact Sciences
Classification: Pathogenic for CTNS-related condition. Last evaluated: 2024-06-07. Review status: no assertion criteria provided. Collection method: clinical testing. Allele origin: germline. Not counted in ClinVar's aggregate classification.
Comment: The CTNS c.559_561+24del27 variant is predicted to result in a deletion affecting a canonical splice site. This variant is predicted to result in deletion of the last three nucleotides of exon 8 as well as the first twenty-four nucleotides of intron 8. This deletion encompasses the canonical splice donor site at the exon 8/intron 8 junction and is predicted to impact splicing (SpliceAI, Jaganathan et al. 2019. PubMed ID: 30661751). This variant has been reported in the homozygous and compound heterozygous states in multiple individuals with ocular or nephropathic cystinosis (Table 1, Attard et al. 1999. PubMed ID: 10556299; Browning et al. 2019. PubMed ID: 30957593; Table 2, Marik et al. 2022. PubMed ID: 35738466). This variant is reported in 0.0078% of alleles in individuals of European (non-Finnish) descent in gnomAD. Variants that disrupt the consensus splice donor site in CTNS are expected to be pathogenic. This variant is interpreted as pathogenic.

Sydney Genome Diagnostics, Children's Hospital Westmead
Classification: Pathogenic for Cystinosis. Last evaluated: 2018-03-12. Review status: no assertion criteria provided. Collection method: clinical testing. Allele origin: unknown. Affected: yes. Observed: 1 variant allele, 1 heterozygote. Not counted in ClinVar's aggregate classification.
Comment: This variant has been previously reported multiple times, as 898-900_24del27, in the literature as a known founder mutation, originating in Brittany, France. This deletion has been shown to abolish the splice donor consensus site of CTNS exon 8, resulting in aberrant transcript splicing (Kalatzis et al J Am Soc Nephrol 2001 (12):2170-2174; Attard et al Hum Mol Genetics 1999 8(13):2507-2514). This variant is considered to be pathogenic according to the ACMG guidelines.

Counsyl
Classification: Likely pathogenic for Cystinosis. Last evaluated: 2015-02-15. Review status: no assertion criteria provided. Collection method: literature only. Allele origin: unknown. Inheritance: Autosomal recessive inheritance. Not counted in ClinVar's aggregate classification.

GeneReviews
Classification: Pathogenic for Cystinosis. Last evaluated: 2011-08-11. Review status: no assertion criteria provided. Collection method: curation. Allele origin: unknown. Not counted in ClinVar's aggregate classification.
ClinVar note: Converted during submission from pathologic to Pathogenic.

Literature cited by the submitters: PubMed 11562417 (cited by Labcorp Genetics (formerly Invitae), Labcorp and Counsyl); PubMed 35738466 (cited by Laboratory of Cyto-molecular Genetics, Department of Anatomy, All India Institute of Medical Sciences (AIIMS), New Delhi); PubMed 10556299 (cited by Counsyl).